The following is an entry in ClinVar:

NM_007194.4(CHEK2):c.1193C>T (p.Ser398Phe)

Gene: CHEK2 (checkpoint kinase 2; minus strand). Cytogenetic location: 22q12.1.
Variant type: single nucleotide variant.
Coding change: c.1193C>T on transcript NM_007194.4 (MANE Select); coding-DNA position 1193, C replaced by T.
Protein change: p.Ser398Phe; replaces serine 398 with phenylalanine.
Molecular consequence: missense variant.
Genome position (GRCh38, 1-based): chr22:28,695,776, G>A on the plus strand (C>T on the coding strand, the complement: CHEK2 is on the minus strand). VCF-style: chr22-28695776-G-A. GRCh37 (hg19) VCF-style: chr22-29091764-G-A.
Other names: c.1322C>T, p.Ser441Phe (NM_001005735.3); c.530C>T, p.Ser177Phe (NM_001257387.3); c.992C>T, p.Ser331Phe (NM_001349956.3); c.1106C>T, p.Ser369Phe (NM_145862.3); short protein forms S398F, S331F, S441F, S177F, S369F.
Identifiers: ClinVar variation 479601 (VCV000479601.7), dbSNP rs1555913751, ClinGen allele CA411096787.
Genomic context (GRCh38, chr22:28,695,776, plus strand): 5'-AAAAGAATAACTCCTAAACTCCAGCAGTCCACAGCACGGTTATACCCAGCAGTCCCAACA[G>A]AAACAAGAACTTCAGGCGCCAAGTAGGTGGGGGTTCCACATAAGGTTCTCATGAGAGAGG-3'
Protein context (NP_009125.1, residues 388-408): PTYLAPEVLV[Ser398Phe]VGTAGYNRAV

ClinVar aggregate classification (germline): Uncertain significance. Review status: criteria provided, multiple submitters, no conflicts (2 of 4 stars). 2 submissions from 2 submitters: Uncertain significance (2). Last evaluated 2024-10-15.

Conditions:
Hereditary cancer-predisposing syndrome. Also called: Hereditary Cancer Syndrome; Neoplastic Syndromes, Hereditary; Tumor predisposition; Hereditary neoplastic syndrome. Identifiers: Orphanet 140162, MedGen C0027672, MeSH D009386, MONDO:0015356.
Familial cancer of breast. Also called: BREAST CANCER, FAMILIAL; Hereditary breast cancer; hereditary breast carcinoma. Identifiers: Orphanet 227535, MedGen C0346153, MONDO:0016419, OMIM 114480. Disease mechanism: loss of function.

Submissions (2):

Labcorp Genetics (formerly Invitae), Labcorp
Classification: Uncertain significance for Familial cancer of breast. Last evaluated: 2024-10-15. Review status: criteria provided, single submitter. Criteria: Invitae Variant Classification Sherloc (09022015). Collection method: clinical testing. Allele origin: germline.
Comment: This sequence change replaces serine, which is neutral and polar, with phenylalanine, which is neutral and non-polar, at codon 398 of the CHEK2 protein (p.Ser398Phe). This variant is not present in population databases (gnomAD no frequency). This variant has not been reported in the literature in individuals affected with CHEK2-related conditions. ClinVar contains an entry for this variant (Variation ID: 479601). An algorithm developed to predict the effect of missense changes on protein structure and function (PolyPhen-2) suggests that this variant is likely to be disruptive. In summary, the available evidence is currently insufficient to determine the role of this variant in disease. Therefore, it has been classified as a Variant of Uncertain Significance.

Ambry Genetics
Classification: Uncertain significance for Hereditary cancer-predisposing syndrome. Last evaluated: 2017-04-19. Review status: criteria provided, single submitter. Criteria: Ambry Variant Classification Scheme 2023. Collection method: clinical testing. Allele origin: germline.
Comment: The p.S398F variant (also known as c.1193C>T), located in coding exon 10 of the CHEK2 gene, results from a C to T substitution at nucleotide position 1193. The serine at codon 398 is replaced by phenylalanine, an amino acid with highly dissimilar properties. This amino acid position is well conserved in available vertebrate species. In addition, this alteration is predicted to be tolerated by in silico analysis. Since supporting evidence is limited at this time, the clinical significance of this alteration remains unclear.